The following is an entry in ClinVar:

ClinVar aggregate classification (germline): Likely pathogenic (1 of 4 stars; one submission).

Submission:

Athena Diagnostics
Classification: Likely pathogenic. Last evaluated: 2023-04-25. Review status: criteria provided, single submitter. Criteria: Athena Diagnostics Criteria. Collection method: clinical testing. Allele origin: unknown.
Comment: This variant is expected to result in the loss of a functional protein. This variant has not been reported in large, multi-ethnic general populations.

NM_001165963.4(SCN1A):c.2369del (p.Tyr790fs)

Gene: SCN1A (sodium voltage-gated channel alpha subunit 1; minus strand). Cytogenetic location: 2q24.3.
Variant type: Deletion.
Coding change: c.2369del on transcript NM_001165963.4 (MANE Select); coding-DNA position 2369, one base deleted (A; older notation c.2369delA).
Protein change: p.Tyr790fs; shifts the reading frame from tyrosine 790.
Molecular consequence: frameshift variant. On other transcripts: 5 prime UTR variant (1), non-coding transcript variant (1).
Genome position (GRCh38, 1-based): chr2:166,041,277, T deleted on the plus strand (A on the coding strand, the reverse complement: SCN1A is on the minus strand). VCF-style (leftmost placement, unchanged base first): chr2-166041276-AT-A. GRCh37 (hg19) VCF-style: chr2-166897786-AT-A.
Other names: c.2285del, p.Tyr762fs (NM_001165964.3, NM_001353957.2, NM_001353958.2); c.2369del, p.Tyr790fs (NM_001202435.3, NM_001353948.2); c.2336del, p.Tyr779fs (NM_001353949.2, NM_001353950.2, NM_001353951.2 and 2 more transcripts); c.2333del, p.Tyr778fs (NM_001353954.2, NM_001353955.2); c.2282del, p.Tyr761fs (NM_001353960.2); c.-90del (NM_001353961.2); short protein forms Y761fs, Y762fs, Y778fs, Y779fs, Y790fs.
Identifiers: ClinVar variation 2684359 (VCV002684359.1), dbSNP rs2468130270, ClinGen allele CA2697551224.
Genomic context (GRCh38, chr2:166,041,276, plus strand): 5'-TTCCAATATGCTTACCAAGTTTCCTACTGTAAGCACATTATTGAAATGGTCCGTCATTGG[AT>A]AGTGCTCCATGGCCATGAAAAGAGTATTTAAGACAATACAGATGGTGATGGCCAGGTCAA-3'